The following is an entry in ClinVar:

NM_133510.4(RAD51B):c.53G>A (p.Arg18His)

Gene: RAD51B (RAD51 paralog B; plus strand). Cytogenetic location: 14q24.1.
Variant type: single nucleotide variant.
Coding change: c.53G>A on transcript NM_133510.4 (MANE Select); coding-DNA position 53, G replaced by A.
Protein change: p.Arg18His; replaces arginine 18 with histidine.
Molecular consequence: missense variant. On other transcripts: 5 prime UTR variant (2).
Genome position (GRCh38, 1-based): chr14:67,823,596, G>A. VCF-style: chr14-67823596-G-A. GRCh37 (hg19) VCF-style: chr14-68290313-G-A.
Other names: c.53G>A, p.Arg18His (NM_001321809.2, NM_001321810.2, NM_001321812.1 and 6 more transcripts); c.-62G>A (NM_001321815.1); c.-403G>A (NM_001321817.2); short protein forms R18H.
Identifiers: ClinVar variation 3786398 (VCV003786398.1).
Genomic context (GRCh38, chr14:67,823,596, plus strand): 5'-CTGGAGGCATGGGTAGCAAGAAACTAAAACGAGTGGGTTTATCACAAGAGCTGTGTGACC[G>A]TCTGAGTAGACATCAGATCCTTACCTGTCAGGTAAATTTTATTTAACATTTTTATTGATA-3'
Protein context (NP_598194.1, residues 8-28): RVGLSQELCD[Arg18His]LSRHQILTCQ

ClinVar aggregate classification (germline): Uncertain significance (1 of 4 stars; one submission).

gnomAD v4.1: 20 of 1,613,570 alleles (0.0012%); highest among the groups gnomAD compares: African/African-American, 0.004%; no homozygotes.

Submission:

Ambry Genetics
Classification: Uncertain significance. Last evaluated: 2024-12-28. Review status: criteria provided, single submitter. Criteria: Ambry Variant Classification Scheme 2023. Collection method: clinical testing. Allele origin: germline.
Comment: The p.R18H variant (also known as c.53G>A), located in coding exon 1 of the RAD51B gene, results from a G to A substitution at nucleotide position 53. The arginine at codon 18 is replaced by histidine, an amino acid with highly similar properties. This amino acid position is conserved. In addition, this alteration is predicted to be tolerated by in silico analysis. Based on the available evidence, the clinical significance of this variant remains unclear.